The following is an entry in ClinVar:

NM_022552.5(DNMT3A):c.1907T>A (p.Val636Glu)

Gene: DNMT3A (DNA methyltransferase 3 alpha; minus strand). Cytogenetic location: 2p23.3.
Variant type: single nucleotide variant.
Coding change: c.1907T>A on transcript NM_022552.5 (MANE Select); coding-DNA position 1907, T replaced by A.
Protein change: p.Val636Glu; replaces valine 636 with glutamic acid.
Molecular consequence: missense variant. On other transcripts: non-coding transcript variant (1).
Genome position (GRCh38, 1-based): chr2:25,243,927, A>T on the plus strand (T>A on the coding strand, the complement: DNMT3A is on the minus strand). VCF-style: chr2-25243927-A-T. GRCh37 (hg19) VCF-style: chr2-25466796-A-T.
Other names: c.1340T>A, p.Val447Glu (NM_153759.3); c.1907T>A, p.Val636Glu (NM_175629.2); c.1451T>A, p.Val484Glu (NM_001320893.1); c.1238T>A, p.Val413Glu (NM_001375819.1); short protein forms V413E, V447E, V484E, V636E.
Identifiers: ClinVar variation 1213129 (VCV001213129.3), dbSNP rs929806900, ClinGen allele CA346071512.

ClinVar aggregate classification (germline): Likely pathogenic (1 of 4 stars; one submission).

Allele frequency attached by ClinVar (database versions not stated): TOPMed below 0.00001; gnomAD 0.00001.
gnomAD v4.1: 1 of 1,552,054 alleles (0.000064%); highest among the groups gnomAD compares: African/African-American, 0.0014%; no homozygotes.

Submission:

GeneDx
Classification: Likely pathogenic. Last evaluated: 2019-08-20. Review status: criteria provided, single submitter. Criteria: GeneDx Variant Classification Process June 2021. Collection method: clinical testing. Allele origin: germline. Affected: yes.
Comment: Not observed in large population cohorts (Lek et al., 2016); In silico analysis, which includes protein predictors and evolutionary conservation, supports a deleterious effect; Has not been previously reported as a pathogenic or benign germline variant to our knowledge; This variant is associated with the following publications: (PMID: 23251566)